The following is an entry in ClinVar:

ClinVar aggregate classification (germline): Conflicting classifications of pathogenicity. Review status: criteria provided, conflicting classifications (1 of 4 stars). 12 submissions from 12 submitters: Uncertain significance (2); Benign (1); Likely benign (7). 2 of the submissions do not count toward it. Last evaluated 2026-07-01.

Conditions:
Bethlem myopathy 1B (BTHLM1B). Identifiers: MedGen C5935580, MONDO:0958233, OMIM 620725.
COL6A2-related disorder.
Collagen 6-related myopathy. Identifiers: MedGen CN117976, MONDO:0100225.
Bethlem myopathy 1A. Also called: MYOPATHY, BENIGN CONGENITAL, WITH CONTRACTURES; Bethlem Muscular Dystrophy; Bethlem myopathy 1. Identifiers: Orphanet 610, MedGen CN029274, MONDO:0024530, OMIM 158810.

Allele frequency attached by ClinVar (database versions not stated): 1000 Genomes Project 0.00160; ExAC 0.00293; TOPMed 0.00250; 1000 Genomes Project 30x 0.00125; gnomAD 0.00232 and 0.00233; gnomAD exomes 0.00247.
gnomAD v4.1: 5,551 of 1,606,806 alleles (0.35%); highest among the groups gnomAD compares: Non-Finnish European, 0.42%; 14 homozygotes.

Submissions (12):

CeGaT Center for Human Genetics Tuebingen
Classification: Likely benign. Last evaluated: 2026-07-01. Review status: criteria provided, single submitter. Criteria: CeGaT Center For Human Genetics Tuebingen Variant Classification Criteria Version 2. Collection method: clinical testing. Allele origin: germline. Affected: yes. Observed: 22 variant alleles.
Comment: COL6A2: BP4, BS2

Labcorp Genetics (formerly Invitae), Labcorp
Classification: Likely benign for Bethlem myopathy 1A. Last evaluated: 2026-02-02. Review status: criteria provided, single submitter. Criteria: Invitae Variant Classification Sherloc (09022015). Collection method: clinical testing. Allele origin: germline.

Blueprint Genetics
Classification: Likely benign. Last evaluated: 2024-11-25. Review status: criteria provided, single submitter. Criteria: ACMG Guidelines, 2015. Collection method: clinical testing. Allele origin: germline.

Mayo Clinic Laboratories, Mayo Clinic
Classification: Uncertain significance. Last evaluated: 2023-04-03. Review status: criteria provided, single submitter. Criteria: ACMG Guidelines, 2015. Collection method: clinical testing. Allele origin: germline. Observed: 2 variant alleles.

GeneDx
Classification: Likely benign. Last evaluated: 2020-09-01. Review status: criteria provided, single submitter. Criteria: GeneDx Variant Classification Process June 2021. Collection method: clinical testing. Allele origin: germline. Affected: yes.
Comment: This variant is associated with the following publications: (PMID: 20981092, 20729548, 24036952, 17886299, 30564623, 30467950)

Genetic Services Laboratory, University of Chicago
Classification: Likely benign. Last evaluated: 2020-05-06. Review status: criteria provided, single submitter. Criteria: ACMG Guidelines, 2015. Collection method: clinical testing. Allele origin: germline. Affected: no.

Foundation for Research in Genetics and Endocrinology, FRIGE's Institute of Human Genetics
Classification: Uncertain significance for Bethlem myopathy 1A. Last evaluated: 2019-12-06. Review status: criteria provided, single submitter. Criteria: ACMG Guidelines, 2015. Collection method: clinical testing. Allele origin: unknown. Inheritance: Autosomal dominant inheritance. Affected: yes. Observed: 1 heterozygote.
Comment: A heterozygous missense variation in exon 28 of the COL6A2 gene that results in the amino acid substitution of Leucine for Proline at codon 932 was detected. The observed variant has a minor allele frequency of 0.2% and 0.3% in 1000 genomes and ExAc databases respectively. The observed variation lies in the a2(VI) C2-A domain and has previously been reported in heterozygous state in a patient with Bethlem myopathy. In vitro functional studies have shown variant effect on accumulation of collagen VI in extracellular matrix (Baker et al. 2007). In summary, the variant meets our criteria to be classified as a variant of unknown significance.

Institute of Human Genetics, University of Leipzig Medical Center
Classification: Benign for Bethlem myopathy 1A. Last evaluated: 2019-01-01. Review status: criteria provided, single submitter. Criteria: ACMG Guidelines, 2015. Collection method: clinical testing. Allele origin: unknown. Affected: yes.

Illumina Laboratory Services, Illumina
Classification: Likely benign for Collagen VI-related myopathy. Last evaluated: 2017-04-27. Review status: criteria provided, single submitter. Criteria: ICSL Variant Classification Criteria 13 December 2019. Collection method: clinical testing. Allele origin: germline.
Comment: This variant was observed as part of a predisposition screen in an ostensibly healthy population. A literature search was performed for the gene, cDNA change, and amino acid change (where applicable). Publications were found based on this search. The evidence from the literature, in combination with allele frequency data from public databases where available, was sufficient to determine this variant is unlikely to cause disease. Therefore, this variant is classified as likely benign.

Eurofins Ntd Llc (ga)
Classification: Likely benign. Last evaluated: 2016-02-24. Review status: criteria provided, single submitter. Criteria: EGL Classification Definitions 2015. Collection method: clinical testing. Allele origin: germline. Observed: 14 variant alleles, 14 heterozygotes.

PreventionGenetics, part of Exact Sciences
Classification: Likely benign for COL6A2-related condition. Last evaluated: 2022-08-25. Review status: no assertion criteria provided. Collection method: clinical testing. Allele origin: germline. Not counted in ClinVar's aggregate classification.
Comment: This variant is classified as likely benign based on ACMG/AMP sequence variant interpretation guidelines (Richards et al. 2015 PMID: 25741868, with internal and published modifications).

OMIM
Classification: Pathogenic for BETHLEM MYOPATHY 1B, AUTOSOMAL DOMINANT. Last evaluated: 2007-10-01. Review status: no assertion criteria provided. Collection method: literature only. Allele origin: germline. Not counted in ClinVar's aggregate classification.

Literature cited by the submitters: PubMed 17886299 (cited by 4 submitters); PubMed 20729548 (cited by Mayo Clinic Laboratories, Mayo Clinic); PubMed 20981092 (cited by Mayo Clinic Laboratories, Mayo Clinic); PubMed 30467950 (cited by Mayo Clinic Laboratories, Mayo Clinic); PubMed 30564623 (cited by Mayo Clinic Laboratories, Mayo Clinic).

NM_001849.4(COL6A2):c.2795C>T (p.Pro932Leu)

Gene: COL6A2 (collagen type VI alpha 2 chain; plus strand). Cytogenetic location: 21q22.3.
Variant type: single nucleotide variant.
Coding change: c.2795C>T on transcript NM_001849.4 (MANE Select); coding-DNA position 2795, C replaced by T.
Protein change: p.Pro932Leu; replaces proline 932 with leucine.
Molecular consequence: missense variant.
Genome position (GRCh38, 1-based): chr21:46,132,287, C>T. VCF-style: chr21-46132287-C-T. GRCh37 (hg19) VCF-style: chr21-47552201-C-T.
Other names: p.P932L:CCG>CTG; short protein forms P932L.
Identifiers: ClinVar variation 17164 (VCV000017164.79), dbSNP rs117725825, ClinGen allele CA242938.
Genomic context (GRCh38, chr21:46,132,287, plus strand): 5'-ACTCCTTCTCGCACGTGGGCGCAGGCGTGGTGCACGCCATCAATGCCATCGTGCGCAGCC[C>T]GCGTGGCGGGGCCCGGAGGCACGCAGAGCTGTCCTTCGTGTTCCTCACGGACGGCGTCAC-3'
Protein context (NP_001840.3, residues 922-942): VHAINAIVRS[Pro932Leu]RGGARRHAEL